The following is an entry in ClinVar:

NM_007327.4(GRIN1):c.879_880insCTCGAT (p.His293_Glu294insLeuAsp)

Gene: GRIN1 (glutamate ionotropic receptor NMDA type subunit 1; plus strand). Cytogenetic location: 9q34.3.
Variant type: Insertion.
Coding change: c.879_880insCTCGAT on transcript NM_007327.4 (MANE Select); coding-DNA positions 879 to 880, CTCGAT inserted.
Protein change: p.His293_Glu294insLeuAsp.
Molecular consequence: inframe insertion.
Genome position: GRCh38 VCF-style: chr9-137156948-C-CCTCGAT. GRCh37 (hg19) VCF-style: chr9-140051400-C-CCTCGAT.
Other names: c.879_880insCTCGAT, p.His293_Glu294insLeuAsp (NM_000832.7, NM_021569.4); c.942_943insCTCGAT, p.His314_Glu315insLeuAsp (NM_001185090.2, NM_001185091.2).
Identifiers: ClinVar variation 503924 (VCV000503924.2), dbSNP rs1554768765, ClinGen allele CA658797379.

ClinVar aggregate classification (germline): Uncertain significance (1 of 4 stars; one submission).

Submission:

GeneDx
Classification: Uncertain significance. Last evaluated: 2018-07-30. Review status: criteria provided, single submitter. Criteria: GeneDx Variant Classification (06012015). Collection method: clinical testing. Allele origin: germline. Affected: yes.
Comment: The c.879_880insCTCGAT variant in the GRIN1 gene has not been reported previously as a pathogenic variant nor as a benign variant, to our knowledge. The c.879_880insCTCGAT variant causes an in-frame insertion of two amino acids, Leucine and Aspartic Acid, denoted p.His293_Glu294insLeuAsp. The c.879_880insCTCGAT variant is not observed in large population cohorts (Lek et al., 2016). We interpret c.879_880insCTCGAT as a variant of uncertain significance.